The following is an entry in ClinVar:

NM_001042492.3(NF1):c.6837A>C (p.Leu2279Phe)

Gene: NF1 (neurofibromin 1; plus strand). Cytogenetic location: 17q11.2.
Variant type: single nucleotide variant.
Coding change: c.6837A>C on transcript NM_001042492.3 (MANE Select); coding-DNA position 6837, A replaced by C.
Protein change: p.Leu2279Phe; replaces leucine 2279 with phenylalanine.
Molecular consequence: missense variant.
Genome position (GRCh38, 1-based): chr17:31,338,721, A>C. VCF-style: chr17-31338721-A-C. GRCh37 (hg19) VCF-style: chr17-29665739-A-C.
Other names: c.6774A>C, p.Leu2258Phe (NM_000267.4); short protein forms L2279F, L2258F.
Identifiers: ClinVar variation 485932 (VCV000485932.12), dbSNP rs144287929, ClinGen allele CA289388306.

ClinVar aggregate classification (germline): Conflicting classifications of pathogenicity. Review status: criteria provided, conflicting classifications (1 of 4 stars). 5 submissions from 4 submitters: Uncertain significance (3); Likely benign (2). Last evaluated 2026-01-21.

Conditions:
Cardiovascular phenotype. Identifiers: MedGen CN230736.
Hereditary cancer-predisposing syndrome. Also called: Tumor predisposition; Neoplastic Syndromes, Hereditary; Hereditary Cancer Syndrome; Hereditary neoplastic syndrome. Identifiers: Orphanet 140162, MedGen C0027672, MeSH D009386, MONDO:0015356.
Café-au-lait macules with pulmonary stenosis (WTSN). Also called: PULMONIC STENOSIS WITH CAFE-AU-LAIT SPOTS. Identifiers: MedGen C0553586, MONDO:0008672, OMIM 193520.
Juvenile myelomonocytic leukemia (JMML). Also called: LEUKEMIA, JUVENILE MYELOMONOCYTIC, SOMATIC. Identifiers: Orphanet 86834, MedGen C0349639, MONDO:0011908, OMIM 607785, HP:0012209.
Neurofibromatosis-Noonan syndrome (NFNS). Also called: NEUROFIBROMATOSIS WITH NOONAN PHENOTYPE. Identifiers: Orphanet 638, MedGen C2931482, MONDO:0011035, OMIM 601321. Disease mechanism: loss of function.
Neurofibromatosis, familial spinal (FSNF). Identifiers: Orphanet 636, MedGen C1834235, MONDO:0008078, OMIM 162210. Disease mechanism: loss of function.
Neurofibromatosis, type 1 (NF1). Also called: NEUROFIBROMATOSIS, TYPE I, SOMATIC; VON RECKLINGHAUSEN DISEASE; Neurofibromatosis, type I; Peripheral type neurofibromatosis. Identifiers: Orphanet 636, MedGen C0027831, MONDO:0018975, OMIM 162200. Disease mechanism: loss of function.

Allele frequency attached by ClinVar (database versions not stated): gnomAD exomes below 0.00001 and 0.00001; gnomAD 0.00001; TOPMed 0.00001; ESP Exome Variant Server 0.00008.
gnomAD v4.1: 3 of 1,612,848 alleles (0.00019%); highest among the groups gnomAD compares: African/African-American, 0.004%; no homozygotes.

Submissions (5):

Labcorp Genetics (formerly Invitae), Labcorp
Classification: Likely benign for Neurofibromatosis, type 1. Last evaluated: 2026-01-21. Review status: criteria provided, single submitter. Criteria: Invitae Variant Classification Sherloc (09022015). Collection method: clinical testing. Allele origin: germline.

Fulgent Genetics
Classification: Uncertain significance for Neurofibromatosis, type 1; Neurofibromatosis, familial spinal; Café-au-lait macules with pulmonary stenosis; Neurofibromatosis-Noonan syndrome; Juvenile myelomonocytic leukemia. Last evaluated: 2024-05-17. Review status: criteria provided, single submitter. Criteria: ACMG Guidelines, 2015. Collection method: clinical testing. Allele origin: germline.

Ambry Genetics
Classification: Likely benign for Cardiovascular phenotype; Hereditary cancer-predisposing syndrome. Last evaluated: 2022-09-27. Review status: criteria provided, single submitter. Criteria: Ambry Variant Classification Scheme 2023. Collection method: clinical testing. Allele origin: germline.

Genome-Nilou Lab
Classification: Uncertain significance for Neurofibromatosis, type 1. Last evaluated: 2022-03-15. Review status: criteria provided, single submitter. Criteria: ACMG Guidelines, 2015. Collection method: clinical testing. Allele origin: germline. Affected: no.

Ambry Genetics
Classification: Uncertain significance for Hereditary cancer-predisposing syndrome. Last evaluated: 2015-11-12. Review status: criteria provided, single submitter. Criteria: Ambry Autosomal Dominant and X-Linked criteria (10/2015). Collection method: clinical testing. Allele origin: germline. Observed: 1 variant allele.
Comment: The p.L2279F variant (also known as c.6837A>C), located in coding exon 46 of the NF1 gene, results from an A to C substitution at nucleotide position 6837. The leucine at codon 2279 is replaced by phenylalanine, an amino acid with highly similar properties. This variant was previously reported in the SNPDatabase as rs144287929. Based on data from the NHLBI Exome Sequencing Project (ESP), the C allele has an overall frequency of approximately 0.01% (1/12998) total alleles studied, having been observed in 0.02% (1/4406) African American alleles. To date, this alteration has been detected with an allele frequency of approximately 0.001% (greater than 110000alleles tested) in our clinical cohort.This amino acid position is highly conserved in available vertebrate species. In addition, the in silico prediction for this alteration is inconclusive.Since supporting evidence is limited at this time, the clinical significance of p.L2279Fremains unclear.